The following is an entry in ClinVar:

NM_007215.4(POLG2):c.431C>T (p.Ala144Val)

Genes: MILR1 (mast cell immunoglobulin like receptor 1; plus strand), POLG2 (DNA polymerase gamma 2, accessory subunit; minus strand). Cytogenetic location: 17q23.3.
Variant type: single nucleotide variant.
Coding change: c.431C>T on transcript NM_007215.4 (MANE Select); coding-DNA position 431, C replaced by T.
Protein change: p.Ala144Val; replaces alanine 144 with valine.
Molecular consequence: missense variant.
Genome position (GRCh38, 1-based): chr17:64,496,538, G>A on the plus strand (C>T on the coding strand, the complement: POLG2 is on the minus strand). VCF-style: chr17-64496538-G-A. GRCh37 (hg19) VCF-style: chr17-62492656-G-A.
Other names: short protein forms A144V.
Identifiers: ClinVar variation 1395621 (VCV001395621.6), dbSNP rs2144221199, ClinGen allele CA400640945.

ClinVar aggregate classification (germline): Uncertain significance (1 of 4 stars; one submission).

Submission:

Labcorp Genetics (formerly Invitae), Labcorp
Classification: Uncertain significance. Last evaluated: 2025-01-02. Review status: criteria provided, single submitter. Criteria: Invitae Variant Classification Sherloc (09022015). Collection method: clinical testing. Allele origin: germline.
Comment: This sequence change replaces alanine, which is neutral and non-polar, with valine, which is neutral and non-polar, at codon 144 of the POLG2 protein (p.Ala144Val). This variant is not present in population databases (gnomAD no frequency). This variant has not been reported in the literature in individuals affected with POLG2-related conditions. ClinVar contains an entry for this variant (Variation ID: 1395621). An algorithm developed to predict the effect of missense changes on protein structure and function (PolyPhen-2) suggests that this variant is likely to be tolerated. In summary, the available evidence is currently insufficient to determine the role of this variant in disease. Therefore, it has been classified as a Variant of Uncertain Significance.